The following is an entry in ClinVar:

ClinVar aggregate classification (germline): Uncertain significance (1 of 4 stars; one submission).

Submission:

Labcorp Genetics (formerly Invitae), Labcorp
Classification: Uncertain significance. Last evaluated: 2021-02-24. Review status: criteria provided, single submitter. Criteria: Invitae Variant Classification Sherloc (09022015). Collection method: clinical testing. Allele origin: germline.
Comment: This variant has not been reported in the literature in individuals with IRF9-related conditions. In summary, the available evidence is currently insufficient to determine the role of this variant in disease. Therefore, it has been classified as a Variant of Uncertain Significance. Algorithms developed to predict the effect of missense changes on protein structure and function output the following: SIFT: "Tolerated"; PolyPhen-2: "Benign"; Align-GVGD: "Class C0". The glycine amino acid residue is found in multiple mammalian species, suggesting that this missense change does not adversely affect protein function. These predictions have not been confirmed by published functional studies and their clinical significance is uncertain. This variant is not present in population databases (ExAC no frequency). This sequence change replaces cysteine with glycine at codon 152 of the IRF9 protein (p.Cys152Gly). The cysteine residue is moderately conserved and there is a large physicochemical difference between cysteine and glycine.

NM_006084.5(IRF9):c.454T>G (p.Cys152Gly)

Gene: IRF9 (interferon regulatory factor 9; plus strand). Cytogenetic location: 14q12.
Variant type: single nucleotide variant.
Coding change: c.454T>G on transcript NM_006084.5 (MANE Select); coding-DNA position 454, T replaced by G.
Protein change: p.Cys152Gly; replaces cysteine 152 with glycine.
Molecular consequence: missense variant.
Genome position (GRCh38, 1-based): chr14:24,163,467, T>G. VCF-style: chr14-24163467-T-G. GRCh37 (hg19) VCF-style: chr14-24632676-T-G.
Other names: c.454T>G, p.Cys152Gly (NM_001385400.1, NM_001385401.1, NM_001385402.1); short protein forms C152G.
Identifiers: ClinVar variation 1430631 (VCV001430631.8), dbSNP rs1265879565, ClinGen allele CA389203920.
Genomic context (GRCh38, chr14:24,163,467, plus strand): 5'-AAGCGACAGCACAGTTCTGTGTCCTCTGAGAGGAAGGAGGAAGAGGATGCCATGCAGAAC[T>G]GCACACTCAGTCCCTCTGTGCTCCAGGACTCCCTCAATAATGTAAGAGATGGAGAGGGAA-3'
Protein context (NP_006075.3, residues 142-162): RKEEEDAMQN[Cys152Gly]TLSPSVLQDS